The following is an entry in ClinVar:

ClinVar aggregate classification (germline): Uncertain significance (1 of 4 stars; one submission).

gnomAD v4.1: 7 of 1,613,922 alleles (0.00043%); highest among the groups gnomAD compares: Non-Finnish European, 0.00059%; no homozygotes.

Submission:

Labcorp Genetics (formerly Invitae), Labcorp
Classification: Uncertain significance. Last evaluated: 2024-03-21. Review status: criteria provided, single submitter. Criteria: Invitae Variant Classification Sherloc (09022015). Collection method: clinical testing. Allele origin: germline.
Comment: This sequence change replaces serine, which is neutral and polar, with asparagine, which is neutral and polar, at codon 1086 of the COL4A1 protein (p.Ser1086Asn). This variant is not present in population databases (gnomAD no frequency). This variant has not been reported in the literature in individuals affected with COL4A1-related conditions. An algorithm developed to predict the effect of missense changes on protein structure and function (PolyPhen-2) suggests that this variant is likely to be disruptive. In summary, the available evidence is currently insufficient to determine the role of this variant in disease. Therefore, it has been classified as a Variant of Uncertain Significance.

NM_001845.6(COL4A1):c.3257G>A (p.Ser1086Asn)

Gene: COL4A1 (collagen type IV alpha 1 chain; minus strand). Cytogenetic location: 13q34.
Variant type: single nucleotide variant.
Coding change: c.3257G>A on transcript NM_001845.6 (MANE Select); coding-DNA position 3257, G replaced by A.
Protein change: p.Ser1086Asn; replaces serine 1086 with asparagine.
Molecular consequence: missense variant.
Genome position (GRCh38, 1-based): chr13:110,174,691, C>T on the plus strand (G>A on the coding strand, the complement: COL4A1 is on the minus strand). VCF-style: chr13-110174691-C-T. GRCh37 (hg19) VCF-style: chr13-110827038-C-T.
Other names: short protein forms S1086N.
Identifiers: ClinVar variation 3685992 (VCV003685992.2).